The following is an entry in ClinVar:

ClinVar aggregate classification (germline): Likely pathogenic (1 of 4 stars; one submission).

Conditions:
VPS13A-related neurodegenerative disease. Also called: LEVINE-CRITCHLEY SYNDROME; Choreoacanthocytosis; Chorea-acanthocytosis; ACANTHOCYTOSIS WITH NEUROLOGIC DISORDER; VPS13A Disease; Choreaacanthocytosis. Identifiers: Orphanet 2388, MedGen C0393576, MONDO:0008695, OMIM 200150.

Submission:

Natera, Inc.
Classification: Likely pathogenic for Choreaacanthocytosis. Last evaluated: 2024-11-27. Review status: criteria provided, single submitter. Criteria: Natera Variant Classification Schema (03/2026). Collection method: clinical testing. Allele origin: germline.
Comment: The c.6809_6812del variant in VPS13A is a frameshift variant predicted to shift the reading frame beginning at codon 2270 and leads to a stop codon 18 codons downstream. This variant is expected to result in nonsense mediated decay, truncation, or a dysfunctional protein product. This variant is rare in the general population with a frequency below the threshold expected for the associated phenotype(s). Given the available evidence, this variant is classified as Likely Pathogenic.

NM_033305.3(VPS13A):c.6809_6812del (p.Asn2270fs)

Gene: VPS13A (vacuolar protein sorting 13 homolog A; plus strand). Cytogenetic location: 9q21.2.
Variant type: Deletion.
Coding change: c.6809_6812del on transcript NM_033305.3 (MANE Select); coding-DNA positions 6809 to 6812, 4 bases deleted (ATCA; older notation c.6809_6812delATCA).
Protein change: p.Asn2270fs; shifts the reading frame from asparagine 2270.
Molecular consequence: frameshift variant.
Genome position (GRCh38, 1-based): chr9:77,340,212-77,340,215, ATCA deleted; deleting any 4 consecutive bases within chr9:77,340,210-77,340,215 gives the same sequence; the c. name uses the placement nearest the transcript's 3' end. VCF-style (leftmost placement, unchanged base first): chr9-77340209-CCAAT-C. GRCh37 (hg19) VCF-style: chr9-79955125-CCAAT-C.
Other names: c.6692_6695del, p.Asn2231fs (NM_001018037.2); c.6809_6812del, p.Asn2270fs (NM_001018038.3, NM_015186.4); short protein forms N2231fs, N2270fs.
Identifiers: ClinVar variation 4816417 (VCV004816417.1).